The following is an entry in ClinVar:

NM_002335.4(LRP5):c.3607G>A (p.Ala1203Thr)

Gene: LRP5 (LDL receptor related protein 5; plus strand). Cytogenetic location: 11q13.2.
Variant type: single nucleotide variant.
Coding change: c.3607G>A on transcript NM_002335.4 (MANE Select); coding-DNA position 3607, G replaced by A.
Protein change: p.Ala1203Thr; replaces alanine 1203 with threonine.
Molecular consequence: missense variant.
Genome position (GRCh38, 1-based): chr11:68,426,157, G>A. VCF-style: chr11-68426157-G-A. GRCh37 (hg19) VCF-style: chr11-68193625-G-A.
Other names: c.1864G>A, p.Ala622Thr (NM_001291902.2); c.3607G>A (NM_002335.2); short protein forms A1203T, A622T.
Identifiers: ClinVar variation 3390131 (VCV003390131.16).

ClinVar aggregate classification (germline): Uncertain significance. Review status: criteria provided, multiple submitters, no conflicts (2 of 4 stars). 3 submissions from 3 submitters: Uncertain significance (3). Last evaluated 2025-04-21.

gnomAD v4.1: 1 of 1,612,524 alleles (0.000062%); highest among the groups gnomAD compares: Non-Finnish European, 0.000085%; no homozygotes.

Submissions (3):

GeneDx
Classification: Uncertain significance. Last evaluated: 2025-04-21. Review status: criteria provided, single submitter. Criteria: GeneDx Variant Classification Process June 2021. Collection method: clinical testing. Allele origin: germline. Affected: yes.
Comment: Not observed at significant frequency in large population cohorts (gnomAD); In silico analysis indicates that this missense variant does not alter protein structure/function; Has not been previously published as pathogenic or benign to our knowledge

CeGaT Center for Human Genetics Tuebingen
Classification: Uncertain significance. Last evaluated: 2024-11-01. Review status: criteria provided, single submitter. Criteria: CeGaT Center For Human Genetics Tuebingen Variant Classification Criteria Version 2. Collection method: clinical testing. Allele origin: germline. Affected: yes. Observed: 1 variant allele.

Blueprint Genetics
Classification: Uncertain significance. Last evaluated: 2023-06-20. Review status: criteria provided, single submitter. Criteria: ACMG Guidelines, 2015. Collection method: clinical testing. Allele origin: germline.